The following is an entry in ClinVar:

ClinVar aggregate classification (germline): Uncertain significance (1 of 4 stars; one submission).

Submission:

GeneDx
Classification: Uncertain significance. Last evaluated: 2025-06-12. Review status: criteria provided, single submitter. Criteria: GeneDx Variant Classification Process June 2021. Collection method: clinical testing. Allele origin: germline. Affected: yes.
Comment: Not observed at significant frequency in large population cohorts (gnomAD); In silico analysis supports that this missense variant has a deleterious effect on protein structure/function; Has not been previously published as pathogenic or benign to our knowledge

NM_004595.5(SMS):c.815A>G (p.Tyr272Cys)

Gene: SMS (spermine synthase; plus strand). Cytogenetic location: Xp22.11.
Variant type: single nucleotide variant.
Coding change: c.815A>G on transcript NM_004595.5 (MANE Select); coding-DNA position 815, A replaced by G.
Protein change: p.Tyr272Cys; replaces tyrosine 272 with cysteine.
Molecular consequence: missense variant.
Genome position (GRCh38, 1-based): chrX:21,984,368, A>G. VCF-style: chrX-21984368-A-G. GRCh37 (hg19) VCF-style: chrX-22002486-A-G.
Other names: c.656A>G, p.Tyr219Cys (NM_001258423.2); short protein forms Y219C, Y272C.
Identifiers: ClinVar variation 4537623 (VCV004537623.1).